The following is an entry in ClinVar:

ClinVar aggregate classification (germline): Uncertain significance. Review status: criteria provided, multiple submitters, no conflicts (2 of 4 stars). 4 submissions from 4 submitters: Uncertain significance (4). Last evaluated 2025-08-06.

Conditions:
Inborn genetic diseases. Identifiers: MedGen C0950123, MeSH D030342.

Allele frequency attached by ClinVar (database versions not stated): gnomAD 0.00003.
gnomAD v4.1: 56 of 1,614,008 alleles (0.0035%); highest among the groups gnomAD compares: Admixed American, 0.0083%; no homozygotes.

Submissions (4):

Dasa
Classification: Uncertain significance. Last evaluated: 2025-08-06. Review status: criteria provided, single submitter. Criteria: DASA Assertion Criteria. Collection method: clinical testing. Allele origin: germline.
Comment: NM_001250.6(CD40):c.335C>T (p.Thr112Met) is a missense variant that results in the substitution of threonine with methionine. This variant is rare in population databases. The currently available literature and clinical evidence are not sufficient to establish a definitive association between this variant and the reported condition. Therefore, this variant is classified as a variant of uncertain significance.

Blueprint Genetics
Classification: Uncertain significance. Last evaluated: 2024-03-07. Review status: criteria provided, single submitter. Criteria: ACMG Guidelines, 2015. Collection method: clinical testing. Allele origin: germline.

Labcorp Genetics (formerly Invitae), Labcorp
Classification: Uncertain significance. Last evaluated: 2022-07-19. Review status: criteria provided, single submitter. Criteria: Invitae Variant Classification Sherloc (09022015). Collection method: clinical testing. Allele origin: germline.
Comment: This sequence change replaces threonine, which is neutral and polar, with methionine, which is neutral and non-polar, at codon 112 of the CD40 protein (p.Thr112Met). This variant is present in population databases (rs779810076, gnomAD 0.009%). This variant has not been reported in the literature in individuals affected with CD40-related conditions. ClinVar contains an entry for this variant (Variation ID: 1484567). Algorithms developed to predict the effect of missense changes on protein structure and function (SIFT, PolyPhen-2, Align-GVGD) all suggest that this variant is likely to be tolerated. In summary, the available evidence is currently insufficient to determine the role of this variant in disease. Therefore, it has been classified as a Variant of Uncertain Significance.

Ambry Genetics
Classification: Uncertain significance for Inborn genetic diseases. Last evaluated: 2022-02-10. Review status: criteria provided, single submitter. Criteria: Ambry Variant Classification Scheme 2023. Collection method: clinical testing. Allele origin: germline.

NM_001250.6(CD40):c.335C>T (p.Thr112Met)

Gene: CD40 (CD40 molecule; plus strand). Cytogenetic location: 20q13.12.
Variant type: single nucleotide variant.
Coding change: c.335C>T on transcript NM_001250.6 (MANE Select); coding-DNA position 335, C replaced by T.
Protein change: p.Thr112Met; replaces threonine 112 with methionine.
Molecular consequence: missense variant. On other transcripts: non-coding transcript variant (2).
Genome position (GRCh38, 1-based): chr20:46,122,688, C>T. VCF-style: chr20-46122688-C-T. GRCh37 (hg19) VCF-style: chr20-44751327-C-T.
Other names: c.335C>T, p.Thr112Met (NM_001302753.2, NM_001322421.2, NM_001322422.2 and 2 more transcripts); c.335C>T (NM_001250.4); short protein forms T112M.
Identifiers: ClinVar variation 1484567 (VCV001484567.11), dbSNP rs779810076, ClinGen allele CA9888441.
Genomic context (GRCh38, chr20:46,122,688, plus strand): 5'-AGCAGAAGGGCACCTCAGAAACAGACACCATCTGCACCTGTGAAGAAGGCTGGCACTGTA[C>T]GAGTGAGGCCTGTGAGAGCTGTGTCCTGCACCGCTCATGCTCGCCCGGCTTTGGGGTCAA-3'
Protein context (NP_001241.1, residues 102-122): ICTCEEGWHC[Thr112Met]SEACESCVLH